The following is an entry in ClinVar:

ClinVar aggregate classification (germline): Uncertain significance. Review status: criteria provided, multiple submitters, no conflicts (2 of 4 stars). 2 submissions from 2 submitters: Uncertain significance (2). Last evaluated 2026-01-08.

Conditions:
Cardiovascular phenotype. Identifiers: MedGen CN230736.
Dilated cardiomyopathy 1W (CMD1W). Identifiers: Orphanet 154, MedGen C1969639, MONDO:0012667, OMIM 611407.

Allele frequency attached by ClinVar (database versions not stated): gnomAD exomes 0.00001; ExAC 0.00002.
gnomAD v4.1: 5 of 1,614,164 alleles (0.00031%); highest among the groups gnomAD compares: East Asian, 0.011%; no homozygotes.

Submissions (2):

Ambry Genetics
Classification: Uncertain significance for Cardiovascular phenotype. Last evaluated: 2026-01-08. Review status: criteria provided, single submitter. Criteria: Ambry Variant Classification Scheme 2023. Collection method: clinical testing. Allele origin: germline.
Comment: The p.S275A variant (also known as c.823T>G), located in coding exon 7 of the VCL gene, results from a T to G substitution at nucleotide position 823. The serine at codon 275 is replaced by alanine, an amino acid with similar properties. This amino acid position is highly conserved in available vertebrate species. In addition, this alteration is predicted to be tolerated by in silico analysis. Based on the available evidence, the clinical significance of this variant remains unclear.

Labcorp Genetics (formerly Invitae), Labcorp
Classification: Uncertain significance for Dilated cardiomyopathy 1W. Last evaluated: 2025-03-25. Review status: criteria provided, single submitter. Criteria: Invitae Variant Classification Sherloc (09022015). Collection method: clinical testing. Allele origin: germline.
Comment: This sequence change replaces serine, which is neutral and polar, with alanine, which is neutral and non-polar, at codon 275 of the VCL protein (p.Ser275Ala). This variant is present in population databases (rs765726337, gnomAD 0.02%). This variant has not been reported in the literature in individuals affected with VCL-related conditions. ClinVar contains an entry for this variant (Variation ID: 1006806). An algorithm developed to predict the effect of missense changes on protein structure and function (PolyPhen-2) suggests that this variant is likely to be disruptive. In summary, the available evidence is currently insufficient to determine the role of this variant in disease. Therefore, it has been classified as a Variant of Uncertain Significance.

Literature cited by the submitters: PubMed 38296580 (cited by Ambry Genetics).

NM_014000.3(VCL):c.823T>G (p.Ser275Ala)

Gene: VCL (vinculin; plus strand). Cytogenetic location: 10q22.2.
Variant type: single nucleotide variant.
Coding change: c.823T>G on transcript NM_014000.3 (MANE Select); coding-DNA position 823, T replaced by G.
Protein change: p.Ser275Ala; replaces serine 275 with alanine.
Molecular consequence: missense variant.
Genome position (GRCh38, 1-based): chr10:74,082,493, T>G. VCF-style: chr10-74082493-T-G. GRCh37 (hg19) VCF-style: chr10-75842251-T-G.
Other names: c.823T>G, p.Ser275Ala (NM_003373.4); c.823T>G (NM_014000.2); short protein forms S275A.
Identifiers: ClinVar variation 1006806 (VCV001006806.10), dbSNP rs765726337, ClinGen allele CA5562871.